The following is an entry in ClinVar:

NM_003560.4(PLA2G6):c.898G>A (p.Ala300Thr)

Gene: PLA2G6 (phospholipase A2 group VI; minus strand). Cytogenetic location: 22q13.1.
Variant type: single nucleotide variant.
Coding change: c.898G>A on transcript NM_003560.4 (MANE Select); coding-DNA position 898, G replaced by A.
Protein change: p.Ala300Thr; replaces alanine 300 with threonine.
Molecular consequence: missense variant.
Genome position (GRCh38, 1-based): chr22:38,133,010, C>T on the plus strand (G>A on the coding strand, the complement: PLA2G6 is on the minus strand). VCF-style: chr22-38133010-C-T. GRCh37 (hg19) VCF-style: chr22-38529017-C-T.
Other names: c.898G>A, p.Ala300Thr (NM_001004426.3, NM_001199562.3, NM_001349864.2 and 2 more transcripts); c.364G>A, p.Ala122Thr (NM_001349867.2, NM_001349869.2); c.220G>A, p.Ala74Thr (NM_001349868.2); short protein forms A300T, A74T, A122T.
Identifiers: ClinVar variation 235257 (VCV000235257.39), dbSNP rs528966598, ClinGen allele CA10231094.

ClinVar aggregate classification (germline): Conflicting classifications of pathogenicity. Review status: criteria provided, conflicting classifications (1 of 4 stars). 6 submissions from 6 submitters: Uncertain significance (3); Benign (1); Likely benign (2). Last evaluated 2026-01-20.

Conditions:
PLA2G6-associated neurodegeneration (PLAN). Also called: phospholipase A2-associated neurodegeneration. Identifiers: Orphanet 329303, MedGen CN204472, MONDO:0017998.
Autosomal recessive Parkinson disease 14. Also called: DYSTONIA-PARKINSONISM, ADULT-ONSET; PARKINSON DISEASE 14. Identifiers: Orphanet 199351, MedGen C2751842, MONDO:0013060, OMIM 612953.
Infantile neuroaxonal dystrophy (NBIA2A). Also called: SEITELBERGER DISEASE; NEURODEGENERATION WITH BRAIN IRON ACCUMULATION 2A; Infantile neuroaxonal dystrophy 1. Identifiers: Orphanet 35069, MedGen C0270724, MONDO:0024457, OMIM 256600.
Neurodegeneration with brain iron accumulation 2B. Also called: aNAD; atypical Neuroaxonal Dystrophy (aNAD); NEUROAXONAL DYSTROPHY, ATYPICAL; NEURODEGENERATION WITH BRAIN IRON ACCUMULATION, PLA2G6-RELATED. Identifiers: Orphanet 35069, MedGen C1857747, MONDO:0012444, OMIM 610217.

Allele frequency attached by ClinVar (database versions not stated): gnomAD 0.00004 and 0.00016; TOPMed 0.00005; gnomAD exomes 0.00029 and 0.00073; 1000 Genomes Project 30x 0.00047; 1000 Genomes Project 0.00060; ExAC 0.00223.
gnomAD v4.1: 431 of 1,561,942 alleles (0.028%); highest among the groups gnomAD compares: South Asian, 0.45%; 8 homozygotes.

Submissions (6):

Labcorp Genetics (formerly Invitae), Labcorp
Classification: Benign for Infantile neuroaxonal dystrophy. Last evaluated: 2026-01-20. Review status: criteria provided, single submitter. Criteria: Invitae Variant Classification Sherloc (09022015). Collection method: clinical testing. Allele origin: germline.

CeGaT Center for Human Genetics Tuebingen
Classification: Uncertain significance. Last evaluated: 2024-09-01. Review status: criteria provided, single submitter. Criteria: CeGaT Center For Human Genetics Tuebingen Variant Classification Criteria Version 2. Collection method: clinical testing. Allele origin: germline. Affected: yes. Observed: 2 variant alleles.

GeneDx
Classification: Likely benign. Last evaluated: 2021-01-30. Review status: criteria provided, single submitter. Criteria: GeneDx Variant Classification Process June 2021. Collection method: clinical testing. Allele origin: germline. Affected: yes.

Fulgent Genetics
Classification: Uncertain significance for Infantile neuroaxonal dystrophy; Neurodegeneration with brain iron accumulation 2B; Autosomal recessive Parkinson disease 14. Last evaluated: 2018-10-31. Review status: criteria provided, single submitter. Criteria: ACMG Guidelines, 2015. Collection method: clinical testing. Allele origin: unknown.

Illumina Laboratory Services, Illumina
Classification: Likely benign for PLA2G6-associated neurodegeneration. Last evaluated: 2018-01-12. Review status: criteria provided, single submitter. Criteria: ICSL Variant Classification Criteria 13 December 2019. Collection method: clinical testing. Allele origin: germline.
Comment: This variant was observed in the ICSL laboratory as part of a predisposition screen in an ostensibly healthy population. It had not been previously curated by ICSL or reported in the Human Gene Mutation Database (HGMD: prior to June 1st, 2018), and was therefore a candidate for classification through an automated scoring system. Utilizing variant allele frequency, disease prevalence and penetrance estimates, and inheritance mode, an automated score was calculated to assess if this variant is too frequent to cause the disease. Based on the score and internal cut-off values, a variant classified as likely benign is not then subjected to further curation. The score for this variant resulted in a classification of likely benign for this disease.

Center for Pediatric Genomic Medicine, Children's Mercy Hospital and Clinics
Classification: Uncertain significance. Last evaluated: 2015-08-19. Review status: criteria provided, single submitter. Criteria: ACMG Guidelines, 2015. Collection method: clinical testing. Allele origin: germline.
ClinVar note: Converted during submission from Uncertain Significance to Uncertain significance.